The following is an entry in ClinVar:

ClinVar aggregate classification (germline): Uncertain significance (1 of 4 stars; one submission).

Allele frequency attached by ClinVar (database versions not stated): gnomAD exomes below 0.00001.
gnomAD v4.1: 4 of 1,598,994 alleles (0.00025%); highest among the groups gnomAD compares: Non-Finnish European, 0.00034%; no homozygotes.

Submission:

GeneDx
Classification: Uncertain significance. Last evaluated: 2022-10-03. Review status: criteria provided, single submitter. Criteria: GeneDx Variant Classification Process June 2021. Collection method: clinical testing. Allele origin: germline. Affected: yes.
Comment: Not observed at significant frequency in large population cohorts (gnomAD); In silico analysis supports that this missense variant does not alter protein structure/function; Has not been previously published as pathogenic or benign to our knowledge

NM_017934.7(PHIP):c.3310A>G (p.Asn1104Asp)

Genes: IRAK1BP1 (interleukin 1 receptor associated kinase 1 binding protein 1; plus strand), PHIP (PHIP subunit of CUL4-Ring ligase complex; minus strand). Cytogenetic location: 6q14.1.
Variant type: single nucleotide variant.
Coding change: c.3310A>G on transcript NM_017934.7 (MANE Select); coding-DNA position 3310, A replaced by G.
Protein change: p.Asn1104Asp; replaces asparagine 1104 with aspartic acid.
Molecular consequence: missense variant.
Genome position (GRCh38, 1-based): chr6:78,965,952, T>C on the plus strand (A>G on the coding strand, the complement: PHIP is on the minus strand). VCF-style: chr6-78965952-T-C. GRCh37 (hg19) VCF-style: chr6-79675669-T-C.
Other names: short protein forms N1104D.
Identifiers: ClinVar variation 1708912 (VCV001708912.2), dbSNP rs2481878144, ClinGen allele CA364646834.